The following is an entry in ClinVar:

NM_020686.6(ABAT):c.1407C>G (p.Asp469Glu)

Gene: ABAT (4-aminobutyrate aminotransferase; plus strand). Cytogenetic location: 16p13.2.
Variant type: single nucleotide variant.
Coding change: c.1407C>G on transcript NM_020686.6 (MANE Select); coding-DNA position 1407, C replaced by G.
Protein change: p.Asp469Glu; replaces aspartic acid 469 with glutamic acid.
Molecular consequence: missense variant.
Genome position (GRCh38, 1-based): chr16:8,781,334, C>G. VCF-style: chr16-8781334-C-G. GRCh37 (hg19) VCF-style: chr16-8875191-C-G.
Other names: c.1407C>G, p.Asp469Glu (NM_000663.5, NM_001127448.2, NM_001386600.1 and 4 more transcripts); c.1368C>G, p.Asp456Glu (NM_001386605.1); c.1344C>G, p.Asp448Glu (NM_001386606.1, NM_001386607.1); c.1314C>G, p.Asp438Glu (NM_001386608.1); c.1295C>G, p.Thr432Arg (NM_001386609.1); c.1272C>G, p.Asp424Glu (NM_001386610.1, NM_001386611.1); c.1209C>G, p.Asp403Glu (NM_001386612.1, NM_001386613.1); c.1161C>G, p.Asp387Glu (NM_001386614.1); and 2 more; short protein forms D387E, T489R, D403E, D424E, D456E, D438E, D448E, D469E.
Identifiers: ClinVar variation 1939589 (VCV001939589.5), dbSNP rs2060433205, ClinGen allele CA394691499.

ClinVar aggregate classification (germline): Uncertain significance (1 of 4 stars; one submission).

Conditions:
Gamma-aminobutyric acid transaminase deficiency (GABATD). Also called: GABA transaminase deficiency; Gamma aminobutyrate transaminase deficiency; 4 alpha aminobutyrate transaminase deficiency; GABA aminotransaminase deficiency. Identifiers: Orphanet 2066, MedGen C0342708, MONDO:0013166, OMIM 613163.

Allele frequency attached by ClinVar (database versions not stated): gnomAD exomes below 0.00001; TOPMed below 0.00001.
gnomAD v4.1: 2 of 1,614,172 alleles (0.00012%); highest among the groups gnomAD compares: Admixed American, 0.0033%; no homozygotes.

Submission:

Labcorp Genetics (formerly Invitae), Labcorp
Classification: Uncertain significance for Gamma-aminobutyric acid transaminase deficiency. Last evaluated: 2022-06-29. Review status: criteria provided, single submitter. Criteria: Invitae Variant Classification Sherloc (09022015). Collection method: clinical testing. Allele origin: germline.
Comment: Algorithms developed to predict the effect of missense changes on protein structure and function (SIFT, PolyPhen-2, Align-GVGD) all suggest that this variant is likely to be tolerated. This sequence change replaces aspartic acid, which is acidic and polar, with glutamic acid, which is acidic and polar, at codon 469 of the ABAT protein (p.Asp469Glu). This variant is not present in population databases (gnomAD no frequency). This variant has not been reported in the literature in individuals affected with ABAT-related conditions. In summary, the available evidence is currently insufficient to determine the role of this variant in disease. Therefore, it has been classified as a Variant of Uncertain Significance.